The following is an entry in ClinVar:

ClinVar aggregate classification (germline): Uncertain significance. Review status: criteria provided, multiple submitters, no conflicts (2 of 4 stars). 2 submissions from 2 submitters: Uncertain significance (2). Last evaluated 2025-11-17.

Conditions:
Hereditary cancer-predisposing syndrome. Also called: Hereditary Cancer Syndrome; Hereditary neoplastic syndrome; Neoplastic Syndromes, Hereditary; Tumor predisposition. Identifiers: Orphanet 140162, MedGen C0027672, MeSH D009386, MONDO:0015356.

Allele frequency attached by ClinVar (database versions not stated): gnomAD exomes below 0.00001.
gnomAD v4.1: 1 of 1,614,096 alleles (0.000062%); highest among the groups gnomAD compares: African/African-American, 0.0013%; no homozygotes.

Submissions (2):

Women's Health and Genetics/Laboratory Corporation of America, LabCorp
Classification: Uncertain significance. Last evaluated: 2025-11-17. Review status: criteria provided, single submitter. Criteria: LabCorp Variant Classification Summary - May 2015. Collection method: clinical testing. Allele origin: germline.
Comment: Variant summary: APC c.4180G>A (p.Asp1394Asn) results in a conservative amino acid change in the encoded protein sequence. Algorithms developed to predict the effect of missense changes on protein structure and function are either unavailable or do not agree on the potential impact of this missense change. The variant was absent in 250992 control chromosomes. The available data on variant occurrences in the general population are insufficient to allow any conclusion about variant significance. To our knowledge, no occurrence of c.4180G>A in individuals affected with APC-related conditions and no experimental evidence demonstrating its impact on protein function have been reported. ClinVar contains an entry for this variant (Variation ID: 1738500). Based on the evidence outlined above, the variant was classified as uncertain significance.

Ambry Genetics
Classification: Uncertain significance for Hereditary cancer-predisposing syndrome. Last evaluated: 2025-10-11. Review status: criteria provided, single submitter. Criteria: Ambry Variant Classification Scheme 2023. Collection method: clinical testing. Allele origin: germline.
Comment: The p.D1394N variant (also known as c.4180G>A), located in coding exon 15 of the APC gene, results from a G to A substitution at nucleotide position 4180. The aspartic acid at codon 1394 is replaced by asparagine, an amino acid with highly similar properties. This amino acid position is highly conserved in available vertebrate species. In addition, in silico predictors for this gene do not accurately predict pathogenicity. Since supporting evidence is limited at this time, the clinical significance of this alteration remains unclear.

NM_000038.6(APC):c.4180G>A (p.Asp1394Asn)

Gene: APC (APC regulator of Wnt signaling pathway; plus strand). Cytogenetic location: 5q22.2.
Variant type: single nucleotide variant.
Coding change: c.4180G>A on transcript NM_000038.6 (MANE Select); coding-DNA position 4180, G replaced by A.
Protein change: p.Asp1394Asn; replaces aspartic acid 1394 with asparagine.
Molecular consequence: missense variant.
Genome position (GRCh38, 1-based): chr5:112,839,774, G>A. VCF-style: chr5-112839774-G-A. GRCh37 (hg19) VCF-style: chr5-112175471-G-A.
Other names: c.3331G>A, p.Asp1111Asn (NM_001407470.1, NM_001354906.2); c.3028G>A, p.Asp1010Asn (NM_001407471.1, NM_001407472.1); c.4180G>A, p.Asp1394Asn (NM_001127510.3, NM_001354895.2, NM_001407450.1); c.4126G>A, p.Asp1376Asn (NM_001127511.3); c.4234G>A, p.Asp1412Asn (NM_001354896.2, NM_001407447.1, NM_001407448.1 and 1 more transcripts); c.4210G>A, p.Asp1404Asn (NM_001354897.2); c.4105G>A, p.Asp1369Asn (NM_001354898.2); c.4096G>A, p.Asp1366Asn (NM_001354899.2); and 11 more; short protein forms D1234N, D1387N, D1404N, D1010N, D1265N, D1268N, D1303N, D1353N.
Identifiers: ClinVar variation 1738500 (VCV001738500.5), dbSNP rs2149908410, ClinGen allele CA16030487.